The following is an entry in ClinVar:

ClinVar aggregate classification (germline): Uncertain significance. Review status: criteria provided, multiple submitters, no conflicts (2 of 4 stars). 3 submissions from 3 submitters: Uncertain significance (3). Last evaluated 2023-08-21.

Conditions:
Inborn genetic diseases. Identifiers: MedGen C0950123, MeSH D030342.
Neuronal ceroid lipofuscinosis 7 (CLN7). Also called: MFSD8-Related Neuronal Ceroid-Lipofuscinosis. Identifiers: Orphanet 168491, Orphanet 228366, MedGen C1838571, MONDO:0012588, OMIM 610951.

Allele frequency attached by ClinVar (database versions not stated): ExAC 0.00001; gnomAD exomes 0.00001; ESP Exome Variant Server 0.00008.
gnomAD v4.1: 5 of 1,613,974 alleles (0.00031%); highest among the groups gnomAD compares: Non-Finnish European, 0.00042%; no homozygotes.

Submissions (3):

Ambry Genetics
Classification: Uncertain significance for Inborn genetic diseases. Last evaluated: 2023-08-21. Review status: criteria provided, single submitter. Criteria: Ambry Variant Classification Scheme 2023. Collection method: clinical testing. Allele origin: germline.

Blueprint Genetics
Classification: Uncertain significance. Last evaluated: 2023-08-09. Review status: criteria provided, single submitter. Criteria: ACMG Guidelines, 2015. Collection method: clinical testing. Allele origin: germline.

Labcorp Genetics (formerly Invitae), Labcorp
Classification: Uncertain significance for Neuronal ceroid lipofuscinosis 7. Last evaluated: 2022-03-19. Review status: criteria provided, single submitter. Criteria: Invitae Variant Classification Sherloc (09022015). Collection method: clinical testing. Allele origin: germline.
Comment: This sequence change replaces leucine, which is neutral and non-polar, with isoleucine, which is neutral and non-polar, at codon 13 of the MFSD8 protein (p.Leu13Ile). This variant is present in population databases (rs150892838, gnomAD 0.005%). This variant has not been reported in the literature in individuals affected with MFSD8-related conditions. ClinVar contains an entry for this variant (Variation ID: 1039136). Algorithms developed to predict the effect of missense changes on protein structure and function are either unavailable or do not agree on the potential impact of this missense change (SIFT: "Tolerated"; PolyPhen-2: "Possibly Damaging"; Align-GVGD: "Class C0"). In summary, the available evidence is currently insufficient to determine the role of this variant in disease. Therefore, it has been classified as a Variant of Uncertain Significance.

NM_001371596.2(MFSD8):c.37C>A (p.Leu13Ile)

Gene: MFSD8 (major facilitator superfamily domain containing 8; minus strand). Cytogenetic location: 4q28.2.
Variant type: single nucleotide variant.
Coding change: c.37C>A on transcript NM_001371596.2 (MANE Select); coding-DNA position 37, C replaced by A.
Protein change: p.Leu13Ile; replaces leucine 13 with isoleucine.
Molecular consequence: missense variant. On other transcripts: 5 prime UTR variant (1), intron variant (2).
Genome position (GRCh38, 1-based): chr4:127,965,097, G>T on the plus strand (C>A on the coding strand, the complement: MFSD8 is on the minus strand). VCF-style: chr4-127965097-G-T. GRCh37 (hg19) VCF-style: chr4-128886252-G-T.
Other names: c.37C>A, p.Leu13Ile (NM_001363520.3, NM_001363521.3, NM_001371591.2 and 5 more transcripts); c.-97C>A (NM_001371595.1); c.-74+800C>A (NM_001410765.1, NM_001371590.2); c.37C>A (NM_152778.2); short protein forms L13I.
Identifiers: ClinVar variation 1039136 (VCV001039136.10), dbSNP rs150892838, ClinGen allele CA3077608.